The following is an entry in ClinVar:

ClinVar aggregate classification (germline): Likely benign. Review status: criteria provided, multiple submitters, no conflicts (2 of 4 stars). 2 submissions from 2 submitters: Likely benign (2). Last evaluated 2026-01-26.

Allele frequency attached by ClinVar (database versions not stated): gnomAD exomes 0.00004; gnomAD 0.00007; ExAC 0.00008; TOPMed 0.00011.
gnomAD v4.1: 68 of 1,613,716 alleles (0.0042%); highest among the groups gnomAD compares: Admixed American, 0.047%; no homozygotes.

Submissions (2):

Labcorp Genetics (formerly Invitae), Labcorp
Classification: Likely benign. Last evaluated: 2026-01-26. Review status: criteria provided, single submitter. Criteria: Invitae Variant Classification Sherloc (09022015). Collection method: clinical testing. Allele origin: germline.

CeGaT Center for Human Genetics Tuebingen
Classification: Likely benign. Last evaluated: 2022-03-01. Review status: criteria provided, single submitter. Criteria: CeGaT Center For Human Genetics Tuebingen Variant Classification Criteria Version 2. Collection method: clinical testing. Allele origin: germline. Affected: yes. Observed: 1 variant allele.
Comment: HSPG2: BP4, BP7

NM_005529.7(HSPG2):c.12759C>T (p.Ala4253=)

Genes: HSPG2 (heparan sulfate proteoglycan 2; minus strand), LDLRAD2 (low density lipoprotein receptor class A domain containing 2; plus strand). Cytogenetic location: 1p36.12.
Variant type: single nucleotide variant.
Coding change: c.12759C>T on transcript NM_005529.7 (MANE Select); coding-DNA position 12759, C replaced by T.
Protein change: p.Ala4253=; no amino-acid change (alanine 4253 retained).
Molecular consequence: synonymous variant. On other transcripts: 3 prime UTR variant (1).
Genome position (GRCh38, 1-based): chr1:21,824,362, G>A on the plus strand (C>T on the coding strand, the complement: HSPG2 is on the minus strand). VCF-style: chr1-21824362-G-A. GRCh37 (hg19) VCF-style: chr1-22150855-G-A.
Other names: c.12762C>T, p.Ala4254= (NM_001291860.2); c.*2147G>A (NM_001013693.3).
Identifiers: ClinVar variation 2057841 (VCV002057841.28), dbSNP rs199982876, ClinGen allele CA669294.